The following is an entry in ClinVar:

ClinVar aggregate classification (germline): Uncertain significance (1 of 4 stars; one submission).

Conditions:
Joubert syndrome 18 (JBTS18). Identifiers: Orphanet 2754, MedGen C3553758, MONDO:0013896, OMIM 614815.
Orofacial-digital syndrome IV (OFD4). Also called: BARAITSER-BURN SYNDROME; OFD SYNDROME WITH TIBIAL DEFECTS; OFD SYNDROME, BARAITSER-BURN TYPE; OFDS IV; ORAL-FACIAL-DIGITAL SYNDROME, TYPE IV; Orofaciodigital syndrome IV. Identifiers: Orphanet 2753, MedGen C0406727, MONDO:0009794, OMIM 258860.

Allele frequency attached by ClinVar (database versions not stated): TOPMed below 0.00001.
gnomAD v4.1: 4 of 1,614,100 alleles (0.00025%); highest among the groups gnomAD compares: African/African-American, 0.0053%; no homozygotes.

Submission:

Labcorp Genetics (formerly Invitae), Labcorp
Classification: Uncertain significance for Joubert syndrome 18; Orofacial-digital syndrome IV. Last evaluated: 2024-12-02. Review status: criteria provided, single submitter. Criteria: Invitae Variant Classification Sherloc (09022015). Collection method: clinical testing. Allele origin: germline.
Comment: This sequence change replaces proline, which is neutral and non-polar, with arginine, which is basic and polar, at codon 454 of the TCTN3 protein (p.Pro454Arg). This variant is present in population databases (no rsID available, gnomAD 0.007%). This variant has not been reported in the literature in individuals affected with TCTN3-related conditions. ClinVar contains an entry for this variant (Variation ID: 2163063). Invitae Evidence Modeling of protein sequence and biophysical properties (such as structural, functional, and spatial information, amino acid conservation, physicochemical variation, residue mobility, and thermodynamic stability) indicates that this missense variant is not expected to disrupt TCTN3 protein function with a negative predictive value of 80%. In summary, the available evidence is currently insufficient to determine the role of this variant in disease. Therefore, it has been classified as a Variant of Uncertain Significance.

NM_015631.6(TCTN3):c.1361C>G (p.Pro454Arg)

Gene: TCTN3 (tectonic family member 3; minus strand). Cytogenetic location: 10q24.1.
Variant type: single nucleotide variant.
Coding change: c.1361C>G on transcript NM_015631.6 (MANE Select); coding-DNA position 1361, C replaced by G.
Protein change: p.Pro454Arg; replaces proline 454 with arginine.
Molecular consequence: missense variant.
Genome position (GRCh38, 1-based): chr10:95,682,742, G>C on the plus strand (C>G on the coding strand, the complement: TCTN3 is on the minus strand). VCF-style: chr10-95682742-G-C. GRCh37 (hg19) VCF-style: chr10-97442499-G-C.
Other names: c.1415C>G, p.Pro472Arg (NM_001013840.1); c.917C>G, p.Pro306Arg (NM_001143973.2); c.1265C>G, p.Pro422Arg (NM_001410982.1); short protein forms P306R, P454R, P472R, P422R.
Identifiers: ClinVar variation 2163063 (VCV002163063.4), dbSNP rs1462507553, ClinGen allele CA377702458.